The following is an entry in ClinVar:

NM_000094.4(COL7A1):c.8018C>T (p.Pro2673Leu)

Gene: COL7A1 (collagen type VII alpha 1 chain; minus strand). Cytogenetic location: 3p21.31.
Variant type: single nucleotide variant.
Coding change: c.8018C>T on transcript NM_000094.4 (MANE Select); coding-DNA position 8018, C replaced by T.
Protein change: p.Pro2673Leu; replaces proline 2673 with leucine.
Molecular consequence: missense variant.
Genome position (GRCh38, 1-based): chr3:48,567,602, G>A on the plus strand (C>T on the coding strand, the complement: COL7A1 is on the minus strand). VCF-style: chr3-48567602-G-A. GRCh37 (hg19) VCF-style: chr3-48605035-G-A.
Other names: short protein forms P2673L.
Identifiers: ClinVar variation 1947588 (VCV001947588.2), dbSNP rs2530824431, ClinGen allele CA352641079.

ClinVar aggregate classification (germline): Uncertain significance (1 of 4 stars; one submission).

Submission:

Labcorp Genetics (formerly Invitae), Labcorp
Classification: Uncertain significance. Last evaluated: 2021-05-01. Review status: criteria provided, single submitter. Criteria: Invitae Variant Classification Sherloc (09022015). Collection method: clinical testing. Allele origin: germline.
Comment: This sequence change replaces proline with leucine at codon 2673 of the COL7A1 protein (p.Pro2673Leu). The proline residue is highly conserved and there is a moderate physicochemical difference between proline and leucine. This variant is not present in population databases (ExAC no frequency). This variant has not been reported in the literature in individuals with COL7A1-related conditions. Algorithms developed to predict the effect of missense changes on protein structure and function are either unavailable or do not agree on the potential impact of this missense change (SIFT: "Deleterious"; PolyPhen-2: "Probably Damaging"; Align-GVGD: "Class C0"). In summary, the available evidence is currently insufficient to determine the role of this variant in disease. Therefore, it has been classified as a Variant of Uncertain Significance.